The following is an entry in ClinVar:

NM_001010892.3(RSPH4A):c.1384T>G (p.Phe462Val)

Gene: RSPH4A (radial spoke head component 4A; plus strand). Cytogenetic location: 6q22.1.
Variant type: single nucleotide variant.
Coding change: c.1384T>G on transcript NM_001010892.3 (MANE Select); coding-DNA position 1384, T replaced by G.
Protein change: p.Phe462Val; replaces phenylalanine 462 with valine.
Molecular consequence: missense variant.
Genome position (GRCh38, 1-based): chr6:116,628,091, T>G. VCF-style: chr6-116628091-T-G. GRCh37 (hg19) VCF-style: chr6-116949254-T-G.
Other names: c.1384T>G, p.Phe462Val (NM_001161664.2); short protein forms F462V.
Identifiers: ClinVar variation 4745127 (VCV004745127.1).
Genomic context (GRCh38, chr6:116,628,091, plus strand): 5'-GTGAAGTTACCACCAGTTATACCTGCACAAATTGTTATTGCAAGAAAAATCAAGAAATTT[T>G]TCACTGGGCGATTGGATGCTCCCATCATAAGCTACCCACCTTTCCCAGGAAATGAGAGTA-3'
Protein context (NP_001010892.1, residues 452-472): IVIARKIKKF[Phe462Val]TGRLDAPIIS

ClinVar aggregate classification (germline): Uncertain significance (1 of 4 stars; one submission).

Conditions:
Primary ciliary dyskinesia. Also called: Ciliary dyskinesia. Identifiers: Orphanet 244, MedGen C0008780, MONDO:0016575, HP:0012265.

gnomAD v4.1: 1 of 1,614,156 alleles (0.000062%); highest among the groups gnomAD compares: African/African-American, 0.0013%; no homozygotes.

Submission:

Labcorp Genetics (formerly Invitae), Labcorp
Classification: Uncertain significance for Primary ciliary dyskinesia. Last evaluated: 2025-03-26. Review status: criteria provided, single submitter. Criteria: Invitae Variant Classification Sherloc (09022015). Collection method: clinical testing. Allele origin: germline.
Comment: This sequence change replaces phenylalanine, which is neutral and non-polar, with valine, which is neutral and non-polar, at codon 462 of the RSPH4A protein (p.Phe462Val). This variant is not present in population databases (gnomAD no frequency). This variant has not been reported in the literature in individuals affected with RSPH4A-related conditions. Invitae Evidence Modeling of protein sequence and biophysical properties (such as structural, functional, and spatial information, amino acid conservation, physicochemical variation, residue mobility, and thermodynamic stability) has been performed for this missense variant. However, the output from this modeling did not meet the statistical confidence thresholds required to predict the impact of this variant on RSPH4A protein function. In summary, the available evidence is currently insufficient to determine the role of this variant in disease. Therefore, it has been classified as a Variant of Uncertain Significance.